The following is an entry in ClinVar:

NM_001369.3(DNAH5):c.3918G>A (p.Trp1306Ter)

Genes: DNAH5 (dynein axonemal heavy chain 5; minus strand), DNAH5-AS1 (DNAH5 antisense RNA 1; plus strand). Cytogenetic location: 5p15.2.
Variant type: single nucleotide variant.
Coding change: c.3918G>A on transcript NM_001369.3 (MANE Select); coding-DNA position 3918, G replaced by A.
Protein change: p.Trp1306Ter; replaces tryptophan 1306 with a stop codon.
Molecular consequence: nonsense.
Genome position (GRCh38, 1-based): chr5:13,867,909, C>T on the plus strand (G>A on the coding strand, the complement: DNAH5 is on the minus strand). VCF-style: chr5-13867909-C-T. GRCh37 (hg19) VCF-style: chr5-13868018-C-T.
Other names: short protein forms W1306*.
Identifiers: ClinVar variation 2045998 (VCV002045998.4), dbSNP rs2546988372, ClinGen allele CA359229305.

ClinVar aggregate classification (germline): Pathogenic (1 of 4 stars; one submission).

Conditions:
Primary ciliary dyskinesia. Also called: Ciliary dyskinesia. Identifiers: Orphanet 244, MedGen C0008780, MONDO:0016575, HP:0012265.

Submission:

Labcorp Genetics (formerly Invitae), Labcorp
Classification: Pathogenic for Primary ciliary dyskinesia. Last evaluated: 2021-12-18. Review status: criteria provided, single submitter. Criteria: Invitae Variant Classification Sherloc (09022015). Collection method: clinical testing. Allele origin: germline.
Comment: For these reasons, this variant has been classified as Pathogenic. This variant has not been reported in the literature in individuals affected with DNAH5-related conditions. This variant is not present in population databases (gnomAD no frequency). This sequence change creates a premature translational stop signal (p.Trp1306*) in the DNAH5 gene. It is expected to result in an absent or disrupted protein product. Loss-of-function variants in DNAH5 are known to be pathogenic (PMID: 11788826, 16627867).

Literature cited by the submitters: PubMed 11788826; PubMed 16627867.